The following is an entry in ClinVar:

ClinVar aggregate classification (germline): Benign. Review status: criteria provided, multiple submitters, no conflicts (2 of 4 stars). 2 submissions from 2 submitters: Benign (2). Last evaluated 2018-06-14.

Allele frequency attached by ClinVar (database versions not stated): gnomAD exomes 0.00478; gnomAD 0.01927 and 0.01998; TOPMed 0.02163; 1000 Genomes Project 0.02256; 1000 Genomes Project 30x 0.02420.
gnomAD v4.1: 5,016 of 585,608 alleles (0.86%); highest among the groups gnomAD compares: African/African-American, 6.4%; 147 homozygotes.

Submissions (2):

GeneDx
Classification: Benign. Last evaluated: 2018-06-14. Review status: criteria provided, single submitter. Criteria: GeneDx Variant Classification (06012015). Collection method: clinical testing. Allele origin: germline. Affected: yes.
Comment: This variant is considered likely benign or benign based on one or more of the following criteria: it is a conservative change, it occurs at a poorly conserved position in the protein, it is predicted to be benign by multiple in silico algorithms, and/or has population frequency not consistent with disease.

Breakthrough Genomics
Classification: Benign. Review status: criteria provided, single submitter. Criteria: ACMG Guidelines, 2015. Collection method: not provided. Allele origin: germline. Inheritance: Unknown mechanism. Affected: yes.

NM_006393.3(NEBL):c.2149-186C>T

Gene: NEBL (nebulette; minus strand). Cytogenetic location: 10p12.31.
Variant type: single nucleotide variant.
Coding change: c.2149-186C>T on transcript NM_006393.3 (MANE Select); 186 bases into the intron before coding-DNA position 2149, C replaced by T.
Molecular consequence: intron variant.
Genome position (GRCh38, 1-based): chr10:20,815,903, G>A on the plus strand (C>T on the coding strand, the complement: NEBL is on the minus strand). VCF-style: chr10-20815903-G-A. GRCh37 (hg19) VCF-style: chr10-21104832-G-A.
Other names: c.250-2963C>T (NM_001377326.1, NM_001377327.1, NM_001377328.1); c.358-2963C>T (NM_213569.2, NM_001173484.2, NM_001377322.1); c.301-2963C>T (NM_001377324.1); c.292-2963C>T (NM_001377325.1); c.310-2963C>T (NM_001377323.1).
Identifiers: ClinVar variation 671439 (VCV000671439.2), dbSNP rs12267369, ClinGen allele CA204168912.